The following is an entry in ClinVar:

ClinVar aggregate classification (germline): Likely benign. Review status: criteria provided, multiple submitters, no conflicts (2 of 4 stars). 3 submissions from 3 submitters: Likely benign (3). Last evaluated 2024-04-30.

Conditions:
Norman-Roberts syndrome (LIS2). Also called: Lissencephaly 2 (Norman-Roberts type). Identifiers: Orphanet 89844, MedGen C0796089, MONDO:0009760, OMIM 257320.
Familial temporal lobe epilepsy 7. Identifiers: Orphanet 101046, MedGen C4225327, MONDO:0014639, OMIM 616436.

Allele frequency attached by ClinVar (database versions not stated): gnomAD exomes 0.00001; ExAC 0.00002; TOPMed 0.00002; gnomAD 0.00003 and 0.00004.
gnomAD v4.1: 13 of 1,614,024 alleles (0.00081%); highest among the groups gnomAD compares: Middle Eastern, 0.016%; no homozygotes.

Submissions (3):

Labcorp Genetics (formerly Invitae), Labcorp
Classification: Likely benign for Familial temporal lobe epilepsy 7; Norman-Roberts syndrome. Last evaluated: 2024-04-30. Review status: criteria provided, single submitter. Criteria: Invitae Variant Classification Sherloc (09022015). Collection method: clinical testing. Allele origin: germline.

Blueprint Genetics
Classification: Likely benign. Last evaluated: 2023-11-23. Review status: criteria provided, single submitter. Criteria: ACMG Guidelines, 2015. Collection method: clinical testing. Allele origin: germline.

GeneDx
Classification: Likely benign. Last evaluated: 2015-11-12. Review status: criteria provided, single submitter. Criteria: GeneDx Variant Classification (06012015). Collection method: clinical testing. Allele origin: germline. Affected: yes.
Comment: This variant is considered likely benign or benign based on one or more of the following criteria: it is a conservative change, it occurs at a poorly conserved position in the protein, it is predicted to be benign by multiple in silico algorithms, and/or has population frequency not consistent with disease.

NM_005045.4(RELN):c.10122C>T (p.Ile3374=)

Genes: SLC26A5-AS1 (SLC26A5 antisense RNA 1; plus strand), RELN (reelin; minus strand). Cytogenetic location: 7q22.1.
Variant type: single nucleotide variant.
Coding change: c.10122C>T on transcript NM_005045.4 (MANE Select); coding-DNA position 10122, C replaced by T.
Protein change: p.Ile3374=; no amino-acid change (isoleucine 3374 retained).
Molecular consequence: synonymous variant.
Genome position (GRCh38, 1-based): chr7:103,483,712, G>A on the plus strand (C>T on the coding strand, the complement: RELN is on the minus strand). VCF-style: chr7-103483712-G-A. GRCh37 (hg19) VCF-style: chr7-103124159-G-A.
Other names: c.10122C>T, p.Ile3374= (NM_173054.3).
Identifiers: ClinVar variation 381313 (VCV000381313.5), dbSNP rs767729538, ClinGen allele CA4420047.